The following is an entry in ClinVar:

NM_006899.5(IDH3B):c.127G>T (p.Val43Leu)

Gene: IDH3B (isocitrate dehydrogenase (NAD(+)) 3 non-catalytic subunit beta; minus strand). Cytogenetic location: 20p13.
Variant type: single nucleotide variant.
Coding change: c.127G>T on transcript NM_006899.5 (MANE Select); coding-DNA position 127, G replaced by T.
Protein change: p.Val43Leu; replaces valine 43 with leucine.
Molecular consequence: missense variant. On other transcripts: non-coding transcript variant (1).
Genome position (GRCh38, 1-based): chr20:2,663,749, C>A on the plus strand (G>T on the coding strand, the complement: IDH3B is on the minus strand). VCF-style: chr20-2663749-C-A. GRCh37 (hg19) VCF-style: chr20-2644395-C-A.
Other names: c.127G>T (NM_006899.2); c.127G>T, p.Val43Leu (NM_001258384.3, NM_001330763.2, NM_174855.4); short protein forms V43L.
Identifiers: ClinVar variation 1027054 (VCV001027054.11), dbSNP rs370105557, ClinGen allele CA9735378.

ClinVar aggregate classification (germline): Uncertain significance. Review status: criteria provided, multiple submitters, no conflicts (2 of 4 stars). 3 submissions from 3 submitters: Uncertain significance (2). 1 of the submissions does not count toward it. Last evaluated 2025-12-15.

Conditions:
Retinal dystrophy. Also called: Inherited retinal dystrophy. Identifiers: Orphanet 71862, MedGen C0854723, MeSH D058499, MONDO:0019118, HP:0000556.

Allele frequency attached by ClinVar (database versions not stated): TOPMed 0.00002; ESP Exome Variant Server 0.00008.
gnomAD v4.1: 89 of 1,614,026 alleles (0.0055%); highest among the groups gnomAD compares: Non-Finnish European, 0.0074%; no homozygotes.

Submissions (3):

Ambry Genetics
Classification: Uncertain significance. Last evaluated: 2025-12-15. Review status: criteria provided, single submitter. Criteria: Ambry Variant Classification Scheme 2023. Collection method: clinical testing. Allele origin: germline.

Labcorp Genetics (formerly Invitae), Labcorp
Classification: Uncertain significance. Last evaluated: 2020-10-30. Review status: criteria provided, single submitter. Criteria: Invitae Variant Classification Sherloc (09022015). Collection method: clinical testing. Allele origin: germline.
Comment: This sequence change replaces valine with leucine at codon 43 of the IDH3B protein (p.Val43Leu). The valine residue is weakly conserved and there is a small physicochemical difference between valine and leucine. This variant is present in population databases (rs370105557, ExAC 0.01%). This variant has not been reported in the literature in individuals with IDH3B-related disease. Algorithms developed to predict the effect of missense changes on protein structure and function do not agree on the potential impact of this missense change (SIFT: "Tolerated"; PolyPhen-2: "Benign"; Align-GVGD: "Class C0"). In summary, the available evidence is currently insufficient to determine the role of this variant in disease. Therefore, it has been classified as a Variant of Uncertain Significance.

Institute of Human Genetics, Univ. Regensburg, Univ. Regensburg
Classification: Uncertain significance for Retinal dystrophy. Last evaluated: 2023-01-01. Review status: no assertion criteria provided. Criteria: ACMG Guidelines, 2015. Collection method: clinical testing. Allele origin: germline. Affected: yes. Not counted in ClinVar's aggregate classification.